The following is an entry in ClinVar:

NM_178452.6(DNAAF1):c.155G>A (p.Gly52Asp)

Gene: DNAAF1 (dynein axonemal assembly factor 1; plus strand). Cytogenetic location: 16q24.1.
Variant type: single nucleotide variant.
Coding change: c.155G>A on transcript NM_178452.6 (MANE Select); coding-DNA position 155, G replaced by A.
Protein change: p.Gly52Asp; replaces glycine 52 with aspartic acid.
Molecular consequence: missense variant.
Genome position (GRCh38, 1-based): chr16:84,149,037, G>A. VCF-style: chr16-84149037-G-A. GRCh37 (hg19) VCF-style: chr16-84182642-G-A.
Other names: c.155G>A (NM_178452.5, NM_178452.4); short protein forms G52D.
Identifiers: ClinVar variation 2199911 (VCV002199911.3), dbSNP rs146725281, ClinGen allele CA8202387.

ClinVar aggregate classification (germline): Conflicting classifications of pathogenicity. Review status: criteria provided, conflicting classifications (1 of 4 stars). 3 submissions from 3 submitters: Uncertain significance (2); Likely benign (1). Last evaluated 2023-10-17.

Conditions:
Primary ciliary dyskinesia. Also called: Ciliary dyskinesia. Identifiers: Orphanet 244, MedGen C0008780, MONDO:0016575, HP:0012265.

Allele frequency attached by ClinVar (database versions not stated): gnomAD exomes 0.00002; ExAC 0.00007; ESP Exome Variant Server 0.00015; 1000 Genomes Project 30x 0.00016; gnomAD 0.00027; TOPMed 0.00027; 1000 Genomes Project 0.00020.
gnomAD v4.1: 70 of 1,614,022 alleles (0.0043%); highest among the groups gnomAD compares: African/African-American, 0.088%; no homozygotes.

Submissions (3):

Ambry Genetics
Classification: Likely benign for Primary ciliary dyskinesia. Last evaluated: 2023-10-17. Review status: criteria provided, single submitter. Criteria: Ambry Variant Classification Scheme 2023. Collection method: clinical testing. Allele origin: germline.

Molecular Genetics McLendon Clinical Laboratories, University of North Carolina at Chapel Hill
Classification: Uncertain significance for Primary ciliary dyskinesia. Last evaluated: 2022-11-03. Review status: criteria provided, single submitter. Criteria: ACMG Guidelines, 2015. Collection method: clinical testing. Allele origin: germline.

Labcorp Genetics (formerly Invitae), Labcorp
Classification: Uncertain significance for Primary ciliary dyskinesia. Last evaluated: 2022-06-14. Review status: criteria provided, single submitter. Criteria: Invitae Variant Classification Sherloc (09022015). Collection method: clinical testing. Allele origin: germline.
Comment: This sequence change replaces glycine, which is neutral and non-polar, with aspartic acid, which is acidic and polar, at codon 52 of the DNAAF1 protein (p.Gly52Asp). This variant is present in population databases (rs146725281, gnomAD 0.09%). This variant has not been reported in the literature in individuals affected with DNAAF1-related conditions. Algorithms developed to predict the effect of missense changes on protein structure and function output the following: SIFT: "Tolerated"; PolyPhen-2: "Benign"; Align-GVGD: "Class C0". The aspartic acid amino acid residue is found in multiple mammalian species, which suggests that this missense change does not adversely affect protein function. In summary, the available evidence is currently insufficient to determine the role of this variant in disease. Therefore, it has been classified as a Variant of Uncertain Significance.